The following is an entry in ClinVar:

ClinVar aggregate classification (germline): Uncertain significance (1 of 4 stars; one submission).

Conditions:
Cardiovascular phenotype. Identifiers: MedGen CN230736.

gnomAD v4.1: 1 of 1,596,898 alleles (0.000063%); highest among the groups gnomAD compares: Non-Finnish European, 0.000085%; no homozygotes.

Submission:

Ambry Genetics
Classification: Uncertain significance for Cardiovascular phenotype. Last evaluated: 2025-04-03. Review status: criteria provided, single submitter. Criteria: Ambry Variant Classification Scheme 2023. Collection method: clinical testing. Allele origin: germline.
Comment: The c.1051+5T>C intronic variant results from a T to C substitution 5 nucleotides after coding exon 12 in the TRDN gene. This nucleotide position is well conserved in available vertebrate species. In silico splice site analysis predicts that this alteration will not have any significant effect on splicing. Based on the available evidence, the clinical significance of this variant remains unclear.

NM_006073.4(TRDN):c.1051+5T>C

Gene: TRDN (triadin; minus strand). Cytogenetic location: 6q22.31.
Variant type: single nucleotide variant.
Coding change: c.1051+5T>C on transcript NM_006073.4 (MANE Select); 5 bases into the intron after coding-DNA position 1051, T replaced by C.
Molecular consequence: intron variant.
Genome position (GRCh38, 1-based): chr6:123,438,058, A>G on the plus strand (T>C on the coding strand, the complement: TRDN is on the minus strand). VCF-style: chr6-123438058-A-G. GRCh37 (hg19) VCF-style: chr6-123759203-A-G.
Other names: c.994+5T>C (NM_001407315.1); c.1054+5T>C (NM_001251987.2).
Identifiers: ClinVar variation 3973107 (VCV003973107.1).
Genomic context (GRCh38, chr6:123,438,058, plus strand): 5'-GGAGTCTTTCATGAAGCAAACATCCTGAACGTAATCCATCTAAGGAAACAAAGAAAGTGC[A>G]ATACCTTTTTTTTCCACATCAATGGCAGTTTCCTTCTCACTTTTCTTTTTGATATCTTCT-3'